The following is an entry in ClinVar:

ClinVar aggregate classification (germline): Uncertain significance. Review status: criteria provided, multiple submitters, no conflicts (2 of 4 stars). 2 submissions from 2 submitters: Uncertain significance (2). Last evaluated 2023-03-14.

Conditions:
Inborn genetic diseases. Identifiers: MedGen C0950123, MeSH D030342.
Focal segmental glomerulosclerosis 5 (FSGS5). Identifiers: Orphanet 656, MedGen C2750475, MONDO:0013191, OMIM 613237.
Charcot-Marie-Tooth disease dominant intermediate E. Also called: CHARCOT-MARIE-TOOTH NEUROPATHY WITH FOCAL SEGMENTAL GLOMERULONEPHRITIS. Identifiers: Orphanet 93114, MedGen C4302667, MONDO:0013758, OMIM 614455.

Submissions (2):

Ambry Genetics
Classification: Uncertain significance for Inborn genetic diseases. Last evaluated: 2023-03-14. Review status: criteria provided, single submitter. Criteria: Ambry Variant Classification Scheme 2023. Collection method: clinical testing. Allele origin: germline.
Comment: The c.150C>A (p.Y50*) alteration, located in exon 2 (coding exon 1) of the INF2 gene, consists of a C to A substitution at nucleotide position 150. This changes the amino acid from a tyrosine (Y) to a stop codon at amino acid position 50. This alteration is expected to result in premature protein truncation or nonsense-mediated mRNA decay. However, loss of function of INF2 has not been established as a mechanism of disease. This variant was not reported in population-based cohorts in the Genome Aggregation Database (gnomAD). Based on insufficient or conflicting evidence, the clinical significance of this alteration remains unclear.

Labcorp Genetics (formerly Invitae), Labcorp
Classification: Uncertain significance for Charcot-Marie-Tooth disease dominant intermediate E; Focal segmental glomerulosclerosis 5. Last evaluated: 2023-03-04. Review status: criteria provided, single submitter. Criteria: Invitae Variant Classification Sherloc (09022015). Collection method: clinical testing. Allele origin: germline.
Comment: This sequence change creates a premature translational stop signal (p.Tyr50*) in the INF2 gene. It is expected to result in an absent or disrupted protein product. However, the current clinical and genetic evidence is not sufficient to establish whether loss-of-function variants in INF2 cause disease. This variant is not present in population databases (gnomAD no frequency). This variant has not been reported in the literature in individuals affected with INF2-related conditions. ClinVar contains an entry for this variant (Variation ID: 540048). In summary, the available evidence is currently insufficient to determine the role of this variant in disease. Therefore, it has been classified as a Variant of Uncertain Significance.

NM_022489.4(INF2):c.150C>A (p.Tyr50Ter)

Gene: INF2 (inverted formin 2; plus strand). Cytogenetic location: 14q32.33.
Variant type: single nucleotide variant.
Coding change: c.150C>A on transcript NM_022489.4 (MANE Select); coding-DNA position 150, C replaced by A.
Protein change: p.Tyr50Ter; replaces tyrosine 50 with a stop codon.
Molecular consequence: nonsense.
Genome position (GRCh38, 1-based): chr14:104,701,515, C>A. VCF-style: chr14-104701515-C-A. GRCh37 (hg19) VCF-style: chr14-105167852-C-A.
Other names: c.150C>A, p.Tyr50Ter (NM_001031714.4, NM_032714.3); short protein forms Y50*.
Identifiers: ClinVar variation 540048 (VCV000540048.10), dbSNP rs1555373267, ClinGen allele CA391225120.